The following is an entry in ClinVar:

ClinVar aggregate classification (germline): Likely pathogenic (1 of 4 stars; one submission).

Conditions:
Retinitis pigmentosa (RP). Identifiers: Orphanet 791, MedGen C0035334, MeSH D012174, MONDO:0019200, OMIM 268000. Inheritance: Autosomal dominant, autosomal recessive and X linked inheritance.

Submission:

Ophthalmic Genetics Group, Institute of Molecular and Clinical Ophthalmology Basel
Classification: Likely pathogenic for Retinitis pigmentosa. Last evaluated: 2023-07-24. Review status: criteria provided, single submitter. Criteria: ACMG Guidelines, 2015. Collection method: research. Allele origin: germline. Affected: yes. Observed: 1 variant allele.
Comment: Clinical significance based on ACMG v2.0

This variant corresponds to the tandem duplication of exons 18-26 in CNGB1. Precise genomic coordinates were confirmed by PCR.

Literature cited by the submitters: PubMed 36909829.

NM_001297.5:c.1536-3071_2634+31dup

Gene: CNGB1 (cyclic nucleotide gated channel subunit beta 1; minus strand).
Variant type: Duplication.
Other names: NC_000016.9:g.57938611_57960359dup; NP_001288.3.p?; c.1536-3071_2634+31dup (NM_001297.5).
Identifiers: ClinVar variation 2577509 (VCV002577509.2).